The following is an entry in ClinVar:

NM_001083962.2(TCF4):c.1399_1403del (p.Leu467fs)

Gene: TCF4 (transcription factor 4; minus strand). Cytogenetic location: 18q21.2.
Variant type: Deletion.
Coding change: c.1399_1403del on transcript NM_001083962.2 (MANE Select); coding-DNA positions 1399 to 1403, 5 bases deleted (CTTCT; older notation c.1399_1403delCTTCT).
Protein change: p.Leu467fs; shifts the reading frame from leucine 467.
Molecular consequence: frameshift variant.
Genome position (GRCh38, 1-based): chr18:55,234,631-55,234,635, AGAAG deleted on the plus strand (CTTCT on the coding strand, the reverse complement: TCF4 is on the minus strand); deleting any 5 consecutive bases within chr18:55,234,631-55,234,639 gives the same sequence; the c. name uses the placement nearest the transcript's 3' end. VCF-style (leftmost placement, unchanged base first): chr18-55234630-CAGAAG-C. GRCh37 (hg19) VCF-style: chr18-52901861-CAGAAG-C.
Other names: c.1396_1400del, p.Leu466fs (NM_001369569.1, NM_001369570.1, NM_001369573.1 and 2 more transcripts); c.1399_1403del, p.Leu467fs (NM_001369571.1, NM_001369572.1, NM_003199.3 and 2 more transcripts); c.1327_1331del, p.Leu443fs (NM_001369575.1, NM_001369582.1, NM_001369583.1 and 5 more transcripts); c.1324_1328del, p.Leu442fs (NM_001369576.1, NM_001369577.1, NM_001369578.1 and 6 more transcripts); c.1330_1334del, p.Leu444fs (NM_001369586.1); c.1705_1709del, p.Leu569fs (NM_001243226.3); c.1417_1421del, p.Leu473fs (NM_001243228.2); c.1390_1394del, p.Leu464fs (NM_001243230.2); and 6 more; short protein forms L251fs, L306fs, L307fs, L442fs, L443fs, L337fs, L396fs, L425fs.
Identifiers: ClinVar variation 1771689 (VCV001771689.2), dbSNP rs2511635953, ClinGen allele CA2580095942.

ClinVar aggregate classification (germline): Pathogenic (1 of 4 stars; one submission).

Conditions:
Inborn genetic diseases. Identifiers: MedGen C0950123, MeSH D030342.

Submission:

Ambry Genetics
Classification: Pathogenic for Inborn genetic diseases. Last evaluated: 2018-03-23. Review status: criteria provided, single submitter. Criteria: Ambry Variant Classification Scheme 2023. Collection method: clinical testing. Allele origin: germline.
Comment: The c.1399_1403delCTTCT pathogenic mutation, located in coding exon 15 of the TCF4 gene, results from a deletion of 5 nucleotides at nucleotide positions 1399 to 1403, causing a translational frameshift with a predicted alternate stop codon (p.L467Afs*18). This alteration is expected to result in loss of function by premature protein truncation or nonsense-mediated mRNA decay. As such, this alteration is interpreted as a disease-causing mutation.